The following is an entry in ClinVar:

ClinVar aggregate classification (germline): Likely pathogenic (1 of 4 stars; one submission).

Conditions:
Autosomal recessive congenital ichthyosis 1 (LI1). Also called: DESQUAMATION OF NEWBORN; ICHTHYOSIS CONGENITA; ICHTHYOSIS CONGENITA II; LAMELLAR EXFOLIATION OF NEWBORN; ICHTHYOSIS, CONGENITAL, AUTOSOMAL RECESSIVE 1, WITH BATHING SUIT DISTRIBUTION; ICHTHYOSIS, CONGENITAL, AUTOSOMAL RECESSIVE 1, WITH OR WITHOUT BATHING SUIT DISTRIBUTION. Identifiers: MedGen C4551630, MONDO:0009441, OMIM 242300.

Submission:

Myriad Genetics, Inc.
Classification: Likely pathogenic for Autosomal recessive congenital ichthyosis 1. Last evaluated: 2021-11-10. Review status: criteria provided, single submitter. Criteria: Myriad Women's Health Autosomal Recessive and X-Linked Classification Criteria (2021). Collection method: clinical testing. Allele origin: unknown.
Comment: NM_000359.2(TGM1):c.1899delG(K634Rfs*13) is expected to be pathogenic in the context of TGM1-related autosomal recessive congenital ichthyosis. This variant is predicted to lead to an abnormal or absent protein product due to the creation of a premature termination codon in TGM1, a gene where loss-of-function variants are known to be pathogenic. Please note: this variant was assessed in the context of healthy population screening.

NM_000359.3(TGM1):c.1899del (p.Lys634fs)

Gene: TGM1 (transglutaminase 1; minus strand). Cytogenetic location: 14q12.
Variant type: Deletion.
Coding change: c.1899del on transcript NM_000359.3 (MANE Select); coding-DNA position 1899, one base deleted (G; older notation c.1899delG).
Protein change: p.Lys634fs; shifts the reading frame from lysine 634.
Molecular consequence: frameshift variant.
Genome position (GRCh38, 1-based): chr14:24,255,000, C deleted on the plus strand (G on the coding strand, the reverse complement: TGM1 is on the minus strand). VCF-style (leftmost placement, unchanged base first): chr14-24254999-TC-T. GRCh37 (hg19) VCF-style: chr14-24724205-TC-T.
Other names: short protein forms K634fs.
Identifiers: ClinVar variation 1724341 (VCV001724341.2), dbSNP rs2502493778, ClinGen allele CA2580087974.
Genomic context (GRCh38, chr14:24,254,999, plus strand): 5'-TCCAGGGGGCAGGGCTGGGTAAGGAGCACTTACAGGCCCCTGGTGCCAGCTCCACTTCCT[TC>T]TTGGTCTCCTTGAAGATGGTACCACTGACACCAGTATAGAAAGTGACTGAGAGGTAGAGG-3'